The following is an entry in ClinVar:

NM_001698.3(AUH):c.797C>T (p.Ala266Val)

Gene: AUH (AU RNA binding methylglutaconyl-CoA hydratase; minus strand). Cytogenetic location: 9q22.31.
Variant type: single nucleotide variant.
Coding change: c.797C>T on transcript NM_001698.3 (MANE Select); coding-DNA position 797, C replaced by T.
Protein change: p.Ala266Val; replaces alanine 266 with valine.
Molecular consequence: missense variant.
Genome position (GRCh38, 1-based): chr9:91,220,851, G>A on the plus strand (C>T on the coding strand, the complement: AUH is on the minus strand). VCF-style: chr9-91220851-G-A. GRCh37 (hg19) VCF-style: chr9-93983133-G-A.
Other names: c.710C>T, p.Ala237Val (NM_001306190.2); c.470C>T, p.Ala157Val (NM_001351431.2, NM_001351432.2, NM_001351433.2); short protein forms A157V, A237V, A266V.
Identifiers: ClinVar variation 1510237 (VCV001510237.6), dbSNP rs570875104, ClinGen allele CA5119736.

ClinVar aggregate classification (germline): Uncertain significance (1 of 4 stars; one submission).

Conditions:
3-methylglutaconic aciduria type 1 (MGCA1). Identifiers: Orphanet 67046, MedGen C0342727, MONDO:0009610, OMIM 250950.

Allele frequency attached by ClinVar (database versions not stated): gnomAD exomes 0.00001 and below 0.00001; TOPMed 0.00001; 1000 Genomes Project 30x 0.00016; ExAC 0.00001; gnomAD 0.00001; 1000 Genomes Project 0.00020.
gnomAD v4.1: 6 of 1,614,240 alleles (0.00037%); highest among the groups gnomAD compares: Middle Eastern, 0.016%; no homozygotes.

Submission:

Labcorp Genetics (formerly Invitae), Labcorp
Classification: Uncertain significance for 3-methylglutaconic aciduria type 1. Last evaluated: 2021-11-15. Review status: criteria provided, single submitter. Criteria: Invitae Variant Classification Sherloc (09022015). Collection method: clinical testing. Allele origin: germline.
Comment: This sequence change replaces alanine, which is neutral and non-polar, with valine, which is neutral and non-polar, at codon 266 of the AUH protein (p.Ala266Val). This variant is present in population databases (rs570875104, gnomAD 0.0009%). This variant has not been reported in the literature in individuals affected with AUH-related conditions. Algorithms developed to predict the effect of missense changes on protein structure and function are either unavailable or do not agree on the potential impact of this missense change (SIFT: "Tolerated"; PolyPhen-2: "Probably Damaging"; Align-GVGD: "Class C0"). In summary, the available evidence is currently insufficient to determine the role of this variant in disease. Therefore, it has been classified as a Variant of Uncertain Significance.